The following is an entry in ClinVar:

ClinVar aggregate classification (germline): Conflicting classifications of pathogenicity. Review status: criteria provided, conflicting classifications (1 of 4 stars). 2 submissions from 2 submitters: Uncertain significance (1); Likely benign (1). Last evaluated 2024-08-28.

Conditions:
Alstrom syndrome (ALMS). Identifiers: Orphanet 64, MedGen C0268425, MONDO:0008763, OMIM 203800.
Cardiovascular phenotype. Identifiers: MedGen CN230736.

Submissions (2):

Ambry Genetics
Classification: Likely benign for Cardiovascular phenotype. Last evaluated: 2024-08-28. Review status: criteria provided, single submitter. Criteria: Ambry Variant Classification Scheme 2023. Collection method: clinical testing. Allele origin: germline.

Labcorp Genetics (formerly Invitae), Labcorp
Classification: Uncertain significance for Alstrom syndrome. Last evaluated: 2024-03-13. Review status: criteria provided, single submitter. Criteria: Invitae Variant Classification Sherloc (09022015). Collection method: clinical testing. Allele origin: germline.
Comment: This sequence change replaces threonine, which is neutral and polar, with serine, which is neutral and polar, at codon 2844 of the ALMS1 protein (p.Thr2844Ser). This variant is not present in population databases (gnomAD no frequency). This variant has not been reported in the literature in individuals affected with ALMS1-related conditions. Experimental studies and prediction algorithms are not available or were not evaluated, and the functional significance of this variant is currently unknown. In summary, the available evidence is currently insufficient to determine the role of this variant in disease. Therefore, it has been classified as a Variant of Uncertain Significance.

NM_001378454.1(ALMS1):c.8528C>G (p.Thr2843Ser)

Gene: ALMS1 (ALMS1 centrosome and basal body associated protein; plus strand). Cytogenetic location: 2p13.1.
Variant type: single nucleotide variant.
Coding change: c.8528C>G on transcript NM_001378454.1 (MANE Select); coding-DNA position 8528, C replaced by G.
Protein change: p.Thr2843Ser; replaces threonine 2843 with serine.
Molecular consequence: missense variant.
Genome position (GRCh38, 1-based): chr2:73,490,487, C>G. VCF-style: chr2-73490487-C-G. GRCh37 (hg19) VCF-style: chr2-73717614-C-G.
Other names: c.8531C>G, p.Thr2844Ser (NM_015120.4); short protein forms T2843S, T2844S.
Identifiers: ClinVar variation 3526960 (VCV003526960.2).